The following is an entry in ClinVar:

NM_024589.3(ROGDI):c.117G>A (p.Lys39=)

Gene: ROGDI (rogdi atypical leucine zipper; minus strand). Cytogenetic location: 16p13.3.
Variant type: single nucleotide variant.
Coding change: c.117G>A on transcript NM_024589.3 (MANE Select); coding-DNA position 117, G replaced by A.
Protein change: p.Lys39=; no amino-acid change (lysine 39 retained).
Molecular consequence: synonymous variant. On other transcripts: non-coding transcript variant (1).
Genome position (GRCh38, 1-based): chr16:4,802,382, C>T on the plus strand (G>A on the coding strand, the complement: ROGDI is on the minus strand). VCF-style: chr16-4802382-C-T. GRCh37 (hg19) VCF-style: chr16-4852383-C-T.
Identifiers: ClinVar variation 1036979 (VCV001036979.6), dbSNP rs956797047, ClinGen allele CA493321467.
Genomic context (GRCh38, chr16:4,802,382, plus strand): 5'-AGCCAGGGAAATGAGGAGGGAGGGCCGCCACGCCCGGCGGGGCAGGGCGCGGGTCGTTAC[C>T]TTGAGGATGTCCTGCAGCTGCTTCAACACAGCGTGCACCTCGTCGTGCAGCAGCCAGCGG-3'
Protein context (NP_078865.1, residues 29-49): AVLKQLQDIL[Lys39=]EASLRFTLPG

ClinVar aggregate classification (germline): Uncertain significance (1 of 4 stars; one submission).

Conditions:
Amelocerebrohypohidrotic syndrome (KTZS). Also called: Kohlschutter's syndrome; EPILEPSY AND YELLOW TEETH; EPILEPSY, DEMENTIA, AND AMELOGENESIS IMPERFECTA; KOHLSCHUTTER SYNDROME. Identifiers: Orphanet 1946, MedGen C0406740, MONDO:0009185, OMIM 226750.

Submission:

Labcorp Genetics (formerly Invitae), Labcorp
Classification: Uncertain significance for Amelocerebrohypohidrotic syndrome. Last evaluated: 2020-10-14. Review status: criteria provided, single submitter. Criteria: Invitae Variant Classification Sherloc (09022015). Collection method: clinical testing. Allele origin: germline.
Comment: In summary, the available evidence is currently insufficient to determine the role of this variant in disease. Therefore, it has been classified as a Variant of Uncertain Significance. Nucleotide substitutions within the consensus splice site are a relatively common cause of aberrant splicing (PMID: 17576681, 9536098). Algorithms developed to predict the effect of sequence changes on RNA splicing suggest that this variant may disrupt the consensus splice site, but this prediction has not been confirmed by published transcriptional studies. This variant has not been reported in the literature in individuals with ROGDI-related conditions. The frequency data for this variant in the population databases is considered unreliable, as metrics indicate insufficient coverage at this position in the ExAC database. This sequence change affects codon 39 of the ROGDI mRNA. It is a 'silent' change, meaning that it does not change the encoded amino acid sequence of the ROGDI protein. This variant also falls at the last nucleotide of exon 2 of the ROGDI coding sequence, which is part of the consensus splice site for this exon.

Literature cited by the submitters: PubMed 17576681; PubMed 9536098.